The following is an entry in ClinVar:

NM_001243133.2(NLRP3):c.2141G>C (p.Cys714Ser)

Gene: NLRP3 (NLR family pyrin domain containing 3; plus strand). Cytogenetic location: 1q44.
Variant type: single nucleotide variant.
Coding change: c.2141G>C on transcript NM_001243133.2 (MANE Select); coding-DNA position 2141, G replaced by C.
Protein change: p.Cys714Ser; replaces cysteine 714 with serine.
Molecular consequence: missense variant.
Genome position (GRCh38, 1-based): chr1:247,425,590, G>C. VCF-style: chr1-247425590-G-C. GRCh37 (hg19) VCF-style: chr1-247588892-G-C.
Other names: c.2147G>C (NM_004895.4); c.2141G>C, p.Cys714Ser (NM_001079821.3, NM_001127461.3, NM_001127462.3 and 1 more transcripts); c.2147G>C, p.Cys716Ser (NM_004895.5); short protein forms C714S, C716S.
Identifiers: ClinVar variation 1395998 (VCV001395998.10), dbSNP rs1248885910, ClinGen allele CA345558748.

ClinVar aggregate classification (germline): Uncertain significance. Review status: criteria provided, multiple submitters, no conflicts (2 of 4 stars). 3 submissions from 3 submitters: Uncertain significance (3). Last evaluated 2025-11-22.

Conditions:
Cryopyrin associated periodic syndrome (CAPS). Identifiers: Orphanet 208650, MedGen C2316212, MONDO:0016168.
Inborn genetic diseases. Identifiers: MedGen C0950123, MeSH D030342.

Allele frequency attached by ClinVar (database versions not stated): TOPMed below 0.00001; gnomAD exomes 0.00001.
gnomAD v4.1: 3 of 1,605,562 alleles (0.00019%); highest among the groups gnomAD compares: Admixed American, 0.005%; no homozygotes.

Submissions (3):

Labcorp Genetics (formerly Invitae), Labcorp
Classification: Uncertain significance for Cryopyrin associated periodic syndrome. Last evaluated: 2025-11-22. Review status: criteria provided, single submitter. Criteria: Invitae Variant Classification Sherloc (09022015). Collection method: clinical testing. Allele origin: germline.
Comment: This sequence change replaces cysteine, which is neutral and slightly polar, with serine, which is neutral and polar, at codon 716 of the NLRP3 protein (p.Cys716Ser). This variant is present in population databases (no rsID available, gnomAD 0.006%). This variant has not been reported in the literature in individuals affected with NLRP3-related conditions. ClinVar contains an entry for this variant (Variation ID: 1395998). Invitae Evidence Modeling of protein sequence and biophysical properties (such as structural, functional, and spatial information, amino acid conservation, physicochemical variation, residue mobility, and thermodynamic stability) indicates that this missense variant is not expected to disrupt NLRP3 protein function with a negative predictive value of 95%. In summary, the available evidence is currently insufficient to determine the role of this variant in disease. Therefore, it has been classified as a Variant of Uncertain Significance.

Ambry Genetics
Classification: Uncertain significance for Inborn genetic diseases. Last evaluated: 2024-12-05. Review status: criteria provided, single submitter. Criteria: Ambry Variant Classification Scheme 2023. Collection method: clinical testing. Allele origin: germline.

GeneDx
Classification: Uncertain significance. Last evaluated: 2024-12-02. Review status: criteria provided, single submitter. Criteria: GeneDx Variant Classification Process June 2021. Collection method: clinical testing. Allele origin: germline. Affected: yes.
Comment: In silico analysis supports that this missense variant has a deleterious effect on protein structure/function; Has not been previously published as pathogenic or benign to our knowledge; Also known as p.(C714S)